The following is an entry in ClinVar:

NM_000257.4(MYH7):c.431G>T (p.Gly144Val)

Gene: MYH7 (myosin heavy chain 7; minus strand). Cytogenetic location: 14q11.2.
Variant type: single nucleotide variant.
Coding change: c.431G>T on transcript NM_000257.4 (MANE Select); coding-DNA position 431, G replaced by T.
Protein change: p.Gly144Val; replaces glycine 144 with valine.
Molecular consequence: missense variant.
Genome position (GRCh38, 1-based): chr14:23,432,710, C>A on the plus strand (G>T on the coding strand, the complement: MYH7 is on the minus strand). VCF-style: chr14-23432710-C-A. GRCh37 (hg19) VCF-style: chr14-23901919-C-A.
Other names: short protein forms G144V.
Identifiers: ClinVar variation 955353 (VCV000955353.9), dbSNP rs730880834, ClinGen allele CA389052833.

ClinVar aggregate classification (germline): Uncertain significance (1 of 4 stars; one submission).

Conditions:
Hypertrophic cardiomyopathy. Also called: HYPERTROPHIC MYOCARDIOPATHY. Identifiers: Orphanet 217569, MedGen C0007194, MeSH D002312, MONDO:0005045, HP:0001639.

Submission:

Labcorp Genetics (formerly Invitae), Labcorp
Classification: Uncertain significance for Hypertrophic cardiomyopathy. Last evaluated: 2025-12-28. Review status: criteria provided, single submitter. Criteria: Invitae Variant Classification Sherloc (09022015). Collection method: clinical testing. Allele origin: germline.
Comment: This sequence change replaces glycine, which is neutral and non-polar, with valine, which is neutral and non-polar, at codon 144 of the MYH7 protein (p.Gly144Val). This variant is not present in population databases (gnomAD no frequency). This missense change has been observed in individual(s) with clinical features of dilated cardiomyopathy (PMID: 25163546, 27532257, 31983221, 37652022). ClinVar contains an entry for this variant (Variation ID: 955353). Invitae Evidence Modeling of protein sequence and biophysical properties (such as structural, functional, and spatial information, amino acid conservation, physicochemical variation, residue mobility, and thermodynamic stability) indicates that this missense variant is expected to disrupt MYH7 protein function with a positive predictive value of 95%. In summary, the available evidence is currently insufficient to determine the role of this variant in disease. Therefore, it has been classified as a Variant of Uncertain Significance.

Literature cited by the submitters: PubMed 25163546; PubMed 27532257; PubMed 31983221; PubMed 37652022.